The following is an entry in ClinVar:

NM_000261.2(MYOC):c.1466G>A (p.Trp489Ter)

Gene: MYOC (myocilin; minus strand). Cytogenetic location: 1q24.3.
Variant type: single nucleotide variant.
Coding change: c.1466G>A on transcript NM_000261.2 (MANE Select); coding-DNA position 1466, G replaced by A.
Protein change: p.Trp489Ter; replaces tryptophan 489 with a stop codon.
Molecular consequence: nonsense.
Genome position (GRCh38, 1-based): chr1:171,635,974, C>T on the plus strand (G>A on the coding strand, the complement: MYOC is on the minus strand). VCF-style: chr1-171635974-C-T. GRCh37 (hg19) VCF-style: chr1-171605114-C-T.
Other names: NM_000261.2:c.1466G>A; short protein forms W489*.
Identifiers: ClinVar variation 2505294 (VCV002505294.2), dbSNP rs2527837995, ClinGen allele CA343723002.

ClinVar aggregate classification (germline): Uncertain significance (3 of 4 stars; one submission).

Conditions:
Open-angle glaucoma. Identifiers: MedGen C0017612, MONDO:0005338, HP:0012108.

Allele frequency attached by ClinVar (database versions not stated): gnomAD exomes below 0.00001.
gnomAD v4.1: 1 of 1,614,190 alleles (0.000062%); highest among the groups gnomAD compares: Non-Finnish European, 0.000085%; no homozygotes.

Submission:

ClinGen Glaucoma Variant Curation Expert Panel
Classification: Uncertain significance for Open-angle glaucoma. Last evaluated: 2026-02-04. Review status: reviewed by expert panel. Criteria: ClinGen Glaucoma ACMG Specifications V2.0.0 Approved. Collection method: curation. Allele origin: germline. Inheritance: Autosomal dominant inheritance.
Comment: The c.1466G>A variant in MYOC is predicted to cause a change in the length of the protein due to the insertion of a terminating codon instead of the usual Tryptophan at amino acid 489. This variant is predicted to cause a deletion of < 10% of the protein within the conserved olfactomedin domain, meeting PM4_Supporting. PVS1 did not apply, as the disease mechanism for MYOC variants associated with primary open angle glaucoma (POAG) is not loss-of-function. This variant was not found in any genetic ancestry group of gnomAD (v4.1.1), meeting the ≤ 0.0001 threshold set for PM2_Supporting in a genetic ancestry group of at least 10,000 alleles.There was no computational or functional evidence predicting a damaging or benign impact of this variant on MYOC function. Only 1 segregation had been reported for POAG (A Hewitt, pers. comm.), not meeting the ≥ 3 segregations required for PP1. Only 1 proband with POAG had been reported (A Hewitt pers. comm.), not meeting the ≥ 2 probands threshold required to meet PS4_Supporting. In summary, this variant met the criteria to receive a score of 2 and to be classified as a variant of uncertain significance (uncertain significance classification range -1 to 5, adapted from PMID: 32720330) for primary open angle glaucoma based on the ACMG/AMP criteria met, as specified by the ClinGen Glaucoma VCEP (v2.0.0, 5 Dec 2024): PM2_Supporting, PM4_Supporting